The following is an entry in ClinVar:

NM_000238.4(KCNH2):c.1054C>T (p.Pro352Ser)

Gene: KCNH2 (potassium voltage-gated channel subfamily H member 2; minus strand). Cytogenetic location: 7q36.1.
Variant type: single nucleotide variant.
Coding change: c.1054C>T on transcript NM_000238.4 (MANE Select); coding-DNA position 1054, C replaced by T.
Protein change: p.Pro352Ser; replaces proline 352 with serine.
Molecular consequence: missense variant.
Genome position (GRCh38, 1-based): chr7:150,957,365, G>A on the plus strand (C>T on the coding strand, the complement: KCNH2 is on the minus strand). VCF-style: chr7-150957365-G-A. GRCh37 (hg19) VCF-style: chr7-150654453-G-A.
Other names: c.766C>T, p.Pro256Ser (NM_001406753.1, NM_001406756.1); c.877C>T, p.Pro293Ser (NM_001406755.1); c.754C>T, p.Pro252Ser (NM_001406757.1); c.1054C>T, p.Pro352Ser (NM_172056.3); short protein forms P352S, P252S, P293S, P256S.
Identifiers: ClinVar variation 918184 (VCV000918184.7), dbSNP rs1801408471, ClinGen allele CA369861566.

ClinVar aggregate classification (germline): Uncertain significance (1 of 4 stars; one submission).

Conditions:
Cardiac arrhythmia. Also called: Arrhythmia; Cardiac rhythm disease. Identifiers: MedGen C0003811, MONDO:0007263, HP:0011675.

Allele frequency attached by ClinVar (database versions not stated): gnomAD 0.00001.
gnomAD v4.1: 1 of 1,613,432 alleles (0.000062%); highest among the groups gnomAD compares: African/African-American, 0.0013%; no homozygotes.

Submission:

Color Diagnostics, LLC DBA Color Health
Classification: Uncertain significance for Cardiac arrhythmia. Last evaluated: 2023-12-04. Review status: criteria provided, single submitter. Criteria: ACMG Guidelines, 2015. Collection method: clinical testing. Allele origin: germline.
Comment: This missense variant replaces proline with serine at codon 352 of the KCNH2 protein. Computational prediction is inconclusive regarding the impact of this variant on protein structure and function (internally defined REVEL score threshold 0.5 < inconclusive < 0.7, PMID: 27666373). To our knowledge, functional studies have not been reported for this variant. This variant has not been reported in individuals affected with KCNH2-related disorders in the literature. This variant has not been identified in the general population by the Genome Aggregation Database (gnomAD). The available evidence is insufficient to determine the role of this variant in disease conclusively. Therefore, this variant is classified as a Variant of Uncertain Significance.